The following is an entry in ClinVar:

NM_002691.4(POLD1):c.1195C>T (p.Gln399Ter)

Gene: POLD1 (DNA polymerase delta 1, catalytic subunit; plus strand). Cytogenetic location: 19q13.33.
Variant type: single nucleotide variant.
Coding change: c.1195C>T on transcript NM_002691.4 (MANE Select); coding-DNA position 1195, C replaced by T.
Protein change: p.Gln399Ter; replaces glutamine 399 with a stop codon.
Molecular consequence: nonsense. On other transcripts: non-coding transcript variant (1).
Genome position (GRCh38, 1-based): chr19:50,403,550, C>T. VCF-style: chr19-50403550-C-T. GRCh37 (hg19) VCF-style: chr19-50906807-C-T.
Other names: c.1195C>T, p.Gln399Ter (NM_001256849.1, NM_001308632.1); c.1195C>T (NM_002691.2); short protein forms Q399*.
Identifiers: ClinVar variation 439248 (VCV000439248.7), dbSNP rs1555790575, ClinGen allele CA406978546.

ClinVar aggregate classification (germline): Uncertain significance. Review status: criteria provided, multiple submitters, no conflicts (2 of 4 stars). 3 submissions from 3 submitters: Uncertain significance (3). Last evaluated 2024-11-08.

Conditions:
Hereditary cancer-predisposing syndrome. Also called: Neoplastic Syndromes, Hereditary; Hereditary neoplastic syndrome; Tumor predisposition; Hereditary Cancer Syndrome. Identifiers: Orphanet 140162, MedGen C0027672, MeSH D009386, MONDO:0015356.
POLD1-related polyposis and colorectal cancer syndrome (CRCS10). Also called: Colorectal cancer 10; COLORECTAL CANCER, SUSCEPTIBILITY TO, ON CHROMOSOME 19q; Colorectal cancer, susceptibility to, 10. Identifiers: Orphanet 220460, MedGen C2675481, MONDO:0012953, OMIM 612591.

Allele frequency attached by ClinVar (database versions not stated): gnomAD exomes below 0.00001.

Submissions (3):

Ambry Genetics
Classification: Uncertain significance for Hereditary cancer-predisposing syndrome. Last evaluated: 2024-11-08. Review status: criteria provided, single submitter. Criteria: Ambry Variant Classification Scheme 2023. Collection method: clinical testing. Allele origin: germline.
Comment: The p.Q399* variant (also known as c.1195C>T), located in coding exon 9 of the POLD1 gene, results from a C to T substitution at nucleotide position 1195. This changes the amino acid from a glutamine to a stop codon within coding exon 9. This alteration is expected to result in loss of function by premature protein truncation or nonsense-mediated mRNA decay. However, loss of function of POLD1 has not been established as a mechanism of disease. Based on the available evidence, the clinical significance of this alteration remains unclear.

Labcorp Genetics (formerly Invitae), Labcorp
Classification: Uncertain significance for POLD1-related polyposis and colorectal cancer syndrome. Last evaluated: 2022-08-22. Review status: criteria provided, single submitter. Criteria: Invitae Variant Classification Sherloc (09022015). Collection method: clinical testing. Allele origin: germline.
Comment: This variant has not been reported in the literature in individuals affected with POLD1-related conditions. In summary, the available evidence is currently insufficient to determine the role of this variant in disease. Therefore, it has been classified as a Variant of Uncertain Significance. ClinVar contains an entry for this variant (Variation ID: 439248). This variant is not present in population databases (gnomAD no frequency). This sequence change creates a premature translational stop signal (p.Gln399*) in the POLD1 gene. Missense variants that disrupt the 3'-5' exonuclease (proof-reading) activity of the POLD1 protein are associated with an increased risk for colonic adenomatous polyps and colon cancer (PMID: 23263490, 23447401). However, loss-of-function variants that result in an absent or severely disrupted POLD1 protein, and missense variants outside the exonuclease domain, are unlikely to be associated with polyposis or colon cancer.

Quest Diagnostics Nichols Institute San Juan Capistrano
Classification: Uncertain significance. Last evaluated: 2017-07-05. Review status: criteria provided, single submitter. Criteria: Quest Diagnostics criteria. Collection method: clinical testing. Allele origin: germline.

Literature cited by the submitters: PubMed 23263490 (cited by Labcorp Genetics (formerly Invitae), Labcorp); PubMed 23447401 (cited by Labcorp Genetics (formerly Invitae), Labcorp).